The following is an entry in ClinVar:

NM_016107.5(ZFR):c.2409T>C (p.Asp803=)

Gene: ZFR (zinc finger RNA binding protein; minus strand). Cytogenetic location: 5p13.3.
Variant type: single nucleotide variant.
Coding change: c.2409T>C on transcript NM_016107.5 (MANE Select); coding-DNA position 2409, T replaced by C.
Protein change: p.Asp803=; no amino-acid change (aspartic acid 803 retained).
Molecular consequence: synonymous variant. On other transcripts: non-coding transcript variant (1).
Genome position (GRCh38, 1-based): chr5:32,387,639, A>G on the plus strand (T>C on the coding strand, the complement: ZFR is on the minus strand). VCF-style: chr5-32387639-A-G. GRCh37 (hg19) VCF-style: chr5-32387745-A-G.
Identifiers: ClinVar variation 703242 (VCV000703242.13), dbSNP rs139829918, ClinGen allele CA3221597.

ClinVar aggregate classification (germline): Benign/Likely benign. Review status: criteria provided, multiple submitters, no conflicts (2 of 4 stars). 3 submissions from 3 submitters: Benign (2); Likely benign (1). Last evaluated 2026-07-01.

Conditions:
Pure or complex autosomal recessive spastic paraplegia. Identifiers: Orphanet 320346, MedGen C5679887, MONDO:0017915.

Allele frequency attached by ClinVar (database versions not stated): gnomAD 0.00047 and 0.00072; TOPMed 0.00056; 1000 Genomes Project 30x 0.00062; 1000 Genomes Project 0.00080; ESP Exome Variant Server 0.00085; gnomAD exomes 0.00118 and 0.00183; ExAC 0.00212.
gnomAD v4.1: 1,853 of 1,613,722 alleles (0.11%); highest among the groups gnomAD compares: South Asian, 0.99%; 17 homozygotes.

Submissions (3):

CeGaT Center for Human Genetics Tuebingen
Classification: Likely benign. Last evaluated: 2026-07-01. Review status: criteria provided, single submitter. Criteria: CeGaT Center For Human Genetics Tuebingen Variant Classification Criteria Version 2. Collection method: clinical testing. Allele origin: germline. Affected: yes. Observed: 1 variant allele.
Comment: ZFR: BP4, BP7, BS2

Labcorp Genetics (formerly Invitae), Labcorp
Classification: Benign for Pure or complex autosomal recessive spastic paraplegia. Last evaluated: 2026-02-01. Review status: criteria provided, single submitter. Criteria: Invitae Variant Classification Sherloc (09022015). Collection method: clinical testing. Allele origin: germline.

Breakthrough Genomics
Classification: Benign. Review status: criteria provided, single submitter. Criteria: ACMG Guidelines, 2015. Collection method: not provided. Allele origin: germline. Inheritance: Unknown mechanism. Affected: yes.